The following is an entry in ClinVar:

NM_000382.3(ALDH3A2):c.471+1del

Gene: ALDH3A2 (aldehyde dehydrogenase 3 family member A2; plus strand). Cytogenetic location: 17p11.2.
Variant type: Deletion.
Coding change: c.471+1del on transcript NM_000382.3 (MANE Select); the canonical splice donor site of the intron after coding-DNA position 471, one base deleted (G; older notation c.471+1delG).
Molecular consequence: splice donor variant.
Genome position (GRCh38, 1-based): chr17:19,652,633, G deleted; the last of 2 consecutive G bases (chr17:19,652,632-19,652,633); deleting either gives the same sequence. VCF-style (leftmost placement, unchanged base first): chr17-19652631-AG-A. GRCh37 (hg19) VCF-style: chr17-19555944-AG-A.
Other names: NC_000017.10:g.19555946del; c.-218+1del (NM_001369148.2); c.471+1del (NM_001369137.2, NM_001369138.2, NM_001369146.2 and 3 more transcripts); c.471+1delG (NM_000382.2); c.471del (NM_000382.3).
Identifiers: ClinVar variation 189163 (VCV000189163.19), dbSNP rs786204741, ClinGen allele CA199133.

ClinVar aggregate classification (germline): Pathogenic. Review status: criteria provided, multiple submitters, no conflicts (2 of 4 stars). 5 submissions from 5 submitters: Pathogenic (4). 1 of the submissions does not count toward it. Last evaluated 2026-01-17.

Conditions:
Sjögren-Larsson syndrome (SLS). Also called: FALDH DEFICIENCY; FATTY ALCOHOL:NAD+ OXIDOREDUCTASE DEFICIENCY; FATTY ALDEHYDE DEHYDROGENASE DEFICIENCY; ICHTHYOSIS, SPASTIC NEUROLOGIC DISORDER, AND OLIGOPHRENIA. Identifiers: Orphanet 816, MedGen C0037231, MONDO:0010031, OMIM 270200.

Submissions (6):

Labcorp Genetics (formerly Invitae), Labcorp
Classification: Pathogenic. Last evaluated: 2026-01-17. Review status: criteria provided, single submitter. Criteria: Invitae Variant Classification Sherloc (09022015). Collection method: clinical testing. Allele origin: germline.
Comment: This sequence change affects a splice site in intron 3 of the ALDH3A2 gene. RNA analysis indicates that disruption of this splice site induces altered splicing and likely results in a shortened protein product. This variant is present in population databases (rs786204741, gnomAD 0.003%). Disruption of this splice site has been observed in individuals with Sjogren-Larsson syndrome (PMID: 10854114, 21872273). ClinVar contains an entry for this variant (Variation ID: 189163). Studies have shown that disruption of this splice site results in skipping of exons 2-3, but is expected to preserve the integrity of the reading-frame (PMID: 10854114, 21872273). For these reasons, this variant has been classified as Pathogenic.

Natera, Inc.
Classification: Pathogenic for Sjögren-Larsson syndrome. Last evaluated: 2025-07-18. Review status: criteria provided, single submitter. Criteria: Natera Variant Classification Schema (03/2026). Collection method: clinical testing. Allele origin: germline.
Comment: The c.471+1delG variant in ALDH3A2 is a canonical splice donor site variant predicted to affect pre-mRNA splicing, which may result in an abnormal transcript and altered protein product. This variant is expected to result in nonsense mediated decay, truncation, or a dysfunctional protein product. This variant is rare in the general population with a frequency below the threshold expected for the associated phenotype(s). This variant has been observed in one or more individuals affected with the associated recessive disease, as either homozygous or compound heterozygous with a second variant (PMID: 21872273). Functional studies show that this variant may disrupt protein function (PMID: 21872273). Given the available evidence, this variant is classified as Pathogenic.

Fulgent Genetics
Classification: Pathogenic for Sjögren-Larsson syndrome. Last evaluated: 2024-01-18. Review status: criteria provided, single submitter. Criteria: ACMG Guidelines, 2015. Collection method: clinical testing. Allele origin: germline.

Women's Health and Genetics/Laboratory Corporation of America, LabCorp
Classification: Pathogenic for Sjögren-Larsson syndrome. Last evaluated: 2016-07-08. Review status: criteria provided, single submitter. Criteria: LabCorp Variant Classification Summary - May 2015. Collection method: clinical testing. Allele origin: germline.
Comment: Variant summary: The ALDH3A2 c.471+1delG variant involves the alteration of a conserved intronic nucleotide located at the invariable GT site at the border of intron 3. One in silico tool predicts a damaging outcome for this variant along with 5/5 splice tools predicting the variant to result in the weakening/elimination of the splice donor site in intron 3. These predictions have been confirmed by studies investigating SLS patients who carried the variant and demonstrated that the variant results in altered mRNA and the absence of the full length protein product. This variant was absent in 121396 control chromosomes, but has been reported in multiple SLS patients in either homozygosity or compound heterozygosity with other splice site or frameshift variants, suggesting pathogenicity. In addition, a clinical diagnostic laboratory classified this variant as Likely Pathogenic via ClinVar (without evidence to independently evaluate). Taken together, this variant is classified as Pathogenic.

Counsyl
Classification: Likely pathogenic for Sjögren-Larsson syndrome. Last evaluated: 2015-01-29. Review status: no assertion criteria provided. Collection method: literature only. Allele origin: unknown. Inheritance: Autosomal recessive inheritance. Not counted in ClinVar's aggregate classification.

Dr. Peter K. Rogan Lab, Western University
No classification provided (evidence only). Condition: Malignant tumor of esophagus. Review status: no classification provided. Collection method: in vitro. Allele origin: not applicable. Functional consequence: skipped exon. Not counted in ClinVar's aggregate classification.

Literature cited by the submitters: PubMed 10854114 (cited by Labcorp Genetics (formerly Invitae), Labcorp and Women's Health and Genetics/Laboratory Corporation of America, LabCorp); PubMed 21872273 (cited by 4 submitters); PubMed 15931689 (cited by Women's Health and Genetics/Laboratory Corporation of America, LabCorp); PubMed 10577908 (cited by Women's Health and Genetics/Laboratory Corporation of America, LabCorp).